The following is an entry in ClinVar:

NM_001369.3(DNAH5):c.13492-15T>C

Gene: DNAH5 (dynein axonemal heavy chain 5; minus strand). Cytogenetic location: 5p15.2.
Variant type: single nucleotide variant.
Coding change: c.13492-15T>C on transcript NM_001369.3 (MANE Select); 15 bases into the intron before coding-DNA position 13492, T replaced by C.
Molecular consequence: intron variant.
Genome position (GRCh38, 1-based): chr5:13,700,886, A>G on the plus strand (T>C on the coding strand, the complement: DNAH5 is on the minus strand). VCF-style: chr5-13700886-A-G. GRCh37 (hg19) VCF-style: chr5-13700995-A-G.
Identifiers: ClinVar variation 504723 (VCV000504723.14), dbSNP rs192514899, ClinGen allele CA3201320.

ClinVar aggregate classification (germline): Benign/Likely benign. Review status: criteria provided, multiple submitters, no conflicts (2 of 4 stars). 4 submissions from 4 submitters: Benign (1); Likely benign (3). Last evaluated 2026-01-28.

Conditions:
Primary ciliary dyskinesia. Also called: Ciliary dyskinesia. Identifiers: Orphanet 244, MedGen C0008780, MONDO:0016575, HP:0012265.

Allele frequency attached by ClinVar (database versions not stated): gnomAD 0.00014 and 0.00022; ESP Exome Variant Server 0.00015; gnomAD exomes 0.00021 and 0.00036; TOPMed 0.00021; ExAC 0.00035; 1000 Genomes Project 0.00100; 1000 Genomes Project 30x 0.00109.
gnomAD v4.1: 357 of 1,612,946 alleles (0.022%); highest among the groups gnomAD compares: Middle Eastern, 0.3%; 2 homozygotes.

Submissions (4):

Labcorp Genetics (formerly Invitae), Labcorp
Classification: Benign for Primary ciliary dyskinesia. Last evaluated: 2026-01-28. Review status: criteria provided, single submitter. Criteria: Invitae Variant Classification Sherloc (09022015). Collection method: clinical testing. Allele origin: germline.

Blueprint Genetics
Classification: Likely benign. Last evaluated: 2024-10-28. Review status: criteria provided, single submitter. Criteria: ACMG Guidelines, 2015. Collection method: clinical testing. Allele origin: germline.

Laboratory for Molecular Medicine, Mass General Brigham Personalized Medicine
Classification: Likely benign. Last evaluated: 2016-07-13. Review status: criteria provided, single submitter. Criteria: LMM Criteria. Collection method: clinical testing. Allele origin: germline. Observed: 1 variant allele.
Comment: c.13492-15T>C in intron 77 of DNAH5: This variant is not expected to have clinic al significance because a T>C change at this position does not diverge from the splice consensus sequence and is therefore unlikely to impact splicing. It has b een identified in 0.2% (27/16510) of South Asian chromosomes by the Exome Aggreg ation Consortium (ExAC; dbSNP rs192514899).

Breakthrough Genomics
Classification: Likely benign. Review status: criteria provided, single submitter. Criteria: ACMG Guidelines, 2015. Collection method: not provided. Allele origin: germline. Inheritance: Autosomal recessive inheritance. Affected: yes.